The following is an entry in ClinVar:

NM_006031.6(PCNT):c.9911C>T (p.Thr3304Ile)

Gene: PCNT (pericentrin; plus strand). Cytogenetic location: 21q22.3.
Variant type: single nucleotide variant.
Coding change: c.9911C>T on transcript NM_006031.6 (MANE Select); coding-DNA position 9911, C replaced by T.
Protein change: p.Thr3304Ile; replaces threonine 3304 with isoleucine.
Molecular consequence: missense variant.
Genome position (GRCh38, 1-based): chr21:46,444,765, C>T. VCF-style: chr21-46444765-C-T. GRCh37 (hg19) VCF-style: chr21-47864678-C-T.
Other names: c.9320C>T, p.Thr3107Ile (NM_001315529.2); short protein forms T3107I, T3304I.
Identifiers: ClinVar variation 4798100 (VCV004798100.1).

ClinVar aggregate classification (germline): Uncertain significance (1 of 4 stars; one submission).

Submission:

Labcorp Genetics (formerly Invitae), Labcorp
Classification: Uncertain significance. Last evaluated: 2025-06-20. Review status: criteria provided, single submitter. Criteria: Invitae Variant Classification Sherloc (09022015). Collection method: clinical testing. Allele origin: germline.
Comment: This sequence change replaces threonine, which is neutral and polar, with isoleucine, which is neutral and non-polar, at codon 3304 of the PCNT protein (p.Thr3304Ile). This variant is not present in population databases (gnomAD no frequency). This variant has not been reported in the literature in individuals affected with PCNT-related conditions. An algorithm developed to predict the effect of missense changes on protein structure and function (PolyPhen-2) suggests that this variant is likely to be disruptive. Algorithms developed to predict the effect of sequence changes on RNA splicing suggest that this variant may disrupt the consensus splice site. In summary, the available evidence is currently insufficient to determine the role of this variant in disease. Therefore, it has been classified as a Variant of Uncertain Significance.